The following is an entry in ClinVar:

ClinVar aggregate classification (germline): Uncertain significance (1 of 4 stars; one submission).

Submission:

GeneDx
Classification: Uncertain significance. Last evaluated: 2024-08-20. Review status: criteria provided, single submitter. Criteria: GeneDx Variant Classification Process June 2021. Collection method: clinical testing. Allele origin: germline. Affected: yes.
Comment: Not observed at significant frequency in large population cohorts (gnomAD); In silico analysis supports that this missense variant has a deleterious effect on protein structure/function; Has not been previously published as pathogenic or benign to our knowledge

NM_001347721.2(DYRK1A):c.1194G>C (p.Lys398Asn)

Gene: DYRK1A (dual specificity tyrosine phosphorylation regulated kinase 1A; plus strand). Cytogenetic location: 21q22.13.
Variant type: single nucleotide variant.
Coding change: c.1194G>C on transcript NM_001347721.2 (MANE Select); coding-DNA position 1194, G replaced by C.
Protein change: p.Lys398Asn; replaces lysine 398 with asparagine.
Molecular consequence: missense variant.
Genome position (GRCh38, 1-based): chr21:37,496,240, G>C. VCF-style: chr21-37496240-G-C. GRCh37 (hg19) VCF-style: chr21-38868542-G-C.
Other names: c.1194G>C, p.Lys398Asn (NM_001347722.2, NM_130436.2); c.1107G>C, p.Lys369Asn (NM_001347723.2); c.1221G>C, p.Lys407Asn (NM_001396.5, NM_101395.2, NM_130438.2); short protein forms K369N, K398N, K407N.
Identifiers: ClinVar variation 3764379 (VCV003764379.1).